The following is an entry in ClinVar:

ClinVar aggregate classification (germline): Benign. Review status: criteria provided, multiple submitters, no conflicts (2 of 4 stars). 2 submissions from 2 submitters: Benign (2). Last evaluated 2018-01-13.

Conditions:
Pitt-Hopkins syndrome (PTHS). Also called: ENCEPHALOPATHY, SEVERE EPILEPTIC, WITH AUTONOMIC DYSFUNCTION; MENTAL RETARDATION, SYNDROMAL, WITH INTERMITTENT HYPERVENTILATION. Identifiers: Orphanet 2896, MedGen C1970431, MONDO:0012589, OMIM 610954.

Allele frequency attached by ClinVar (database versions not stated): TOPMed 0.00127; gnomAD 0.00331 and 0.00353; 1000 Genomes Project 30x 0.00562; 1000 Genomes Project 0.00599; gnomAD exomes 0.01643.
gnomAD v4.1: 538 of 152,556 alleles (0.35%); highest among the groups gnomAD compares: East Asian, 2.3%; 8 homozygotes.

Submissions (2):

Illumina Laboratory Services, Illumina
Classification: Benign for Pitt-Hopkins syndrome. Last evaluated: 2018-01-13. Review status: criteria provided, single submitter. Criteria: ICSL Variant Classification Criteria 13 December 2019. Collection method: clinical testing. Allele origin: germline.
Comment: This variant was observed in the ICSL laboratory as part of a predisposition screen in an ostensibly healthy population. It had not been previously curated by ICSL or reported in the Human Gene Mutation Database (HGMD: prior to June 1st, 2018), and was therefore a candidate for classification through an automated scoring system. Utilizing variant allele frequency, disease prevalence and penetrance estimates, and inheritance mode, an automated score was calculated to assess if this variant is too frequent to cause the disease. Based on the score and internal cut-off values, a variant classified as benign is not then subjected to further curation. The score for this variant resulted in a classification of benign for this disease.

Breakthrough Genomics
Classification: Benign. Review status: criteria provided, single submitter. Criteria: ACMG Guidelines, 2015. Collection method: not provided. Allele origin: germline. Inheritance: Autosomal dominant inheritance. Affected: yes.

NM_001083962.2(TCF4):c.*1903G>A

Gene: TCF4 (transcription factor 4; minus strand). Cytogenetic location: 18q21.2.
Variant type: single nucleotide variant.
Coding change: c.*1903G>A on transcript NM_001083962.2 (MANE Select); 1903 bases downstream of the stop codon, G replaced by A.
Molecular consequence: 3 prime UTR variant.
Genome position (GRCh38, 1-based): chr18:55,226,132, C>T on the plus strand (G>A on the coding strand, the complement: TCF4 is on the minus strand). VCF-style: chr18-55226132-C-T. GRCh37 (hg19) VCF-style: chr18-52893363-C-T.
Other names: c.*1903G>A (NM_001243226.3, NM_001243227.2, NM_001243228.2 and 42 more transcripts).
Identifiers: ClinVar variation 327280 (VCV000327280.6), dbSNP rs117913194, ClinGen allele CA10647852.